The following is an entry in ClinVar:

NM_000052.7(ATP7A):c.302A>G (p.Asp101Gly)

Gene: ATP7A (ATPase copper transporting alpha; plus strand). Cytogenetic location: Xq21.1.
Variant type: single nucleotide variant.
Coding change: c.302A>G on transcript NM_000052.7 (MANE Select); coding-DNA position 302, A replaced by G.
Protein change: p.Asp101Gly; replaces aspartic acid 101 with glycine.
Molecular consequence: missense variant.
Genome position (GRCh38, 1-based): chrX:77,988,423, A>G. VCF-style: chrX-77988423-A-G. GRCh37 (hg19) VCF-style: chrX-77243919-A-G.
Other names: c.302A>G (NM_000052.4); c.302A>G, p.Asp101Gly (NM_001282224.2); short protein forms D101G.
Identifiers: ClinVar variation 2044388 (VCV002044388.2), dbSNP rs1569549582, ClinGen allele CA413599370.
Genomic context (GRCh38, chrX:77,988,423, plus strand): 5'-TCCCTGTTTTAACTGACACCTTGTTTCTGACTGTTACGGCGTCACTGACTTTGCCATGGG[A>G]CCATATCCAAAGCACATTGCTGAAGACCAAGGGTGTGACAGACATTAAAATTTACCCTCA-3'
Protein context (NP_000043.4, residues 91-111): TVTASLTLPW[Asp101Gly]HIQSTLLKTK

ClinVar aggregate classification (germline): Uncertain significance. Review status: criteria provided, multiple submitters, no conflicts (2 of 4 stars). 2 submissions from 2 submitters: Uncertain significance (2). Last evaluated 2025-04-17.

Conditions:
Menkes kinky-hair syndrome (MNK). Also called: Copper transport disease; Menkes Disease; Classic Menkes Disease. Identifiers: Orphanet 565, MedGen C0022716, MONDO:0010651, OMIM 309400.
X-linked distal spinal muscular atrophy type 3. Also called: ATP7A-Related Distal Motor Neuropathy; SPINAL MUSCULAR ATROPHY, DISTAL, X-LINKED RECESSIVE; NEURONOPATHY, DISTAL HEREDITARY MOTOR, X-LINKED; NEUROPATHY, DISTAL HEREDITARY MOTOR, X-LINKED. Identifiers: Orphanet 139557, MedGen C1845359, MONDO:0010338, OMIM 300489.
Cutis laxa, X-linked (OHS). Also called: EDS IX; Occipital horn syndrome. Identifiers: Orphanet 198, MedGen C0268353, MONDO:0010572, OMIM 304150.

Allele frequency attached by ClinVar (database versions not stated): gnomAD exomes below 0.00001.
gnomAD v4.1: 2 of 1,211,489 alleles (0.00017%); highest among the groups gnomAD compares: East Asian, 0.003%; no homozygotes.

Submissions (2):

GeneDx
Classification: Uncertain significance. Last evaluated: 2025-04-17. Review status: criteria provided, single submitter. Criteria: GeneDx Variant Classification Process June 2021. Collection method: clinical testing. Allele origin: germline. Affected: yes.
Comment: Not observed at significant frequency in large population cohorts (gnomAD); In silico analysis indicates that this missense variant does not alter protein structure/function; Has not been previously published as pathogenic or benign to our knowledge

Labcorp Genetics (formerly Invitae), Labcorp
Classification: Uncertain significance for X-linked distal spinal muscular atrophy type 3; Cutis laxa, X-linked; Menkes kinky-hair syndrome. Last evaluated: 2022-06-14. Review status: criteria provided, single submitter. Criteria: Invitae Variant Classification Sherloc (09022015). Collection method: clinical testing. Allele origin: germline.
Comment: This sequence change replaces aspartic acid, which is acidic and polar, with glycine, which is neutral and non-polar, at codon 101 of the ATP7A protein (p.Asp101Gly). This variant is not present in population databases (gnomAD no frequency). This variant has not been reported in the literature in individuals affected with ATP7A-related conditions. Advanced modeling of protein sequence and biophysical properties (such as structural, functional, and spatial information, amino acid conservation, physicochemical variation, residue mobility, and thermodynamic stability) performed at Invitae indicates that this missense variant is not expected to disrupt ATP7A protein function. In summary, the available evidence is currently insufficient to determine the role of this variant in disease. Therefore, it has been classified as a Variant of Uncertain Significance.